The following is an entry in ClinVar:

NM_152594.3(SPRED1):c.6C>A (p.Ser2Arg)

Gene: SPRED1 (sprouty related EVH1 domain containing 1; plus strand). Cytogenetic location: 15q14.
Variant type: single nucleotide variant.
Coding change: c.6C>A on transcript NM_152594.3 (MANE Select); coding-DNA position 6, C replaced by A.
Protein change: p.Ser2Arg; replaces serine 2 with arginine.
Molecular consequence: missense variant.
Genome position (GRCh38, 1-based): chr15:38,253,191, C>A. VCF-style: chr15-38253191-C-A. GRCh37 (hg19) VCF-style: chr15-38545392-C-A.
Other names: short protein forms S2R.
Identifiers: ClinVar variation 965391 (VCV000965391.15), dbSNP rs775693385, ClinGen allele CA391931800.

ClinVar aggregate classification (germline): Uncertain significance. Review status: criteria provided, multiple submitters, no conflicts (2 of 4 stars). 5 submissions from 5 submitters: Uncertain significance (5). Last evaluated 2025-03-22.

Conditions:
Cardiovascular phenotype. Identifiers: MedGen CN230736.
Legius syndrome. Identifiers: Orphanet 137605, MedGen C1969623, MONDO:0012669, OMIM 611431. Disease mechanism: loss of function.

Allele frequency attached by ClinVar (database versions not stated): gnomAD 0.00001; TOPMed 0.00001.
gnomAD v4.1: 6 of 1,580,198 alleles (0.00038%); highest among the groups gnomAD compares: African/African-American, 0.0013%; no homozygotes.

Submissions (5):

Ambry Genetics
Classification: Uncertain significance for Cardiovascular phenotype. Last evaluated: 2025-03-22. Review status: criteria provided, single submitter. Criteria: Ambry Variant Classification Scheme 2023. Collection method: clinical testing. Allele origin: germline.
Comment: The p.S2R variant (also known as c.6C>A), located in coding exon 1 of the SPRED1 gene, results from a C to A substitution at nucleotide position 6. The serine at codon 2 is replaced by arginine, an amino acid with dissimilar properties. This amino acid position is conserved. In addition, the in silico prediction for this alteration is inconclusive. Since supporting evidence is limited at this time, the clinical significance of this alteration remains unclear.

Labcorp Genetics (formerly Invitae), Labcorp
Classification: Uncertain significance for Legius syndrome. Last evaluated: 2024-02-26. Review status: criteria provided, single submitter. Criteria: Invitae Variant Classification Sherloc (09022015). Collection method: clinical testing. Allele origin: germline.
Comment: This sequence change replaces serine, which is neutral and polar, with arginine, which is basic and polar, at codon 2 of the SPRED1 protein (p.Ser2Arg). This variant is not present in population databases (gnomAD no frequency). This variant has not been reported in the literature in individuals affected with SPRED1-related conditions. ClinVar contains an entry for this variant (Variation ID: 965391). An algorithm developed to predict the effect of missense changes on protein structure and function (PolyPhen-2) suggests that this variant is likely to be tolerated. In summary, the available evidence is currently insufficient to determine the role of this variant in disease. Therefore, it has been classified as a Variant of Uncertain Significance.

Fulgent Genetics
Classification: Uncertain significance for Legius syndrome. Last evaluated: 2021-10-16. Review status: criteria provided, single submitter. Criteria: ACMG Guidelines, 2015. Collection method: clinical testing. Allele origin: unknown.

New York Genome Center
Classification: Uncertain significance for Legius syndrome. Last evaluated: 2021-02-11. Review status: criteria provided, single submitter. Criteria: NYGC Assertion Criteria 2020. Collection method: clinical testing. Allele origin: germline. Observed: 1 heterozygote. Study: CSER-NYCKidSeq.

Baylor Genetics
Classification: Uncertain significance for Legius syndrome. Last evaluated: 2020-01-31. Review status: criteria provided, single submitter. Criteria: ACMG Guidelines, 2015. Collection method: clinical testing. Allele origin: unknown. Affected: yes.
Comment: This variant was determined to be of uncertain significance according to ACMG Guidelines, 2015 [PMID:25741868].